The following is an entry in ClinVar:

NM_001257096.2(PAX1):c.*24C>G

Gene: PAX1 (paired box 1; plus strand). Cytogenetic location: 20p11.22.
Variant type: single nucleotide variant.
Coding change: c.*24C>G on transcript NM_001257096.2 (MANE Select); 24 bases downstream of the stop codon, C replaced by G.
Molecular consequence: 3 prime UTR variant. On other transcripts: missense variant (1).
Genome position (GRCh38, 1-based): chr20:21,714,586, C>G. VCF-style: chr20-21714586-C-G. GRCh37 (hg19) VCF-style: chr20-21695224-C-G.
Other names: p.Ala463Gly; c.1388C>G (NM_006192.3); c.1388C>G, p.Ala463Gly (NM_006192.5); short protein forms A463G.
Identifiers: ClinVar variation 1435749 (VCV001435749.8), dbSNP rs560571693, ClinGen allele CA9786777.

ClinVar aggregate classification (germline): Uncertain significance. Review status: criteria provided, multiple submitters, no conflicts (2 of 4 stars). 3 submissions from 3 submitters: Uncertain significance (3). Last evaluated 2024-08-05.

Conditions:
Inborn genetic diseases. Identifiers: MedGen C0950123, MeSH D030342.

Allele frequency attached by ClinVar (database versions not stated): gnomAD exomes 0.00001 and 0.00005; ExAC 0.00009; 1000 Genomes Project 30x 0.00016; 1000 Genomes Project 0.00020.
gnomAD v4.1: 18 of 1,578,012 alleles (0.0011%); highest among the groups gnomAD compares: South Asian, 0.019%; no homozygotes.

Submissions (3):

Mayo Clinic Laboratories, Mayo Clinic
Classification: Uncertain significance. Last evaluated: 2024-08-05. Review status: criteria provided, single submitter. Criteria: ACMG Guidelines, 2015. Collection method: clinical testing. Allele origin: germline. Observed: 1 variant allele.
Comment: BP4, PM2

Labcorp Genetics (formerly Invitae), Labcorp
Classification: Uncertain significance. Last evaluated: 2024-02-17. Review status: criteria provided, single submitter. Criteria: Invitae Variant Classification Sherloc (09022015). Collection method: clinical testing. Allele origin: germline.
Comment: This sequence change replaces alanine, which is neutral and non-polar, with glycine, which is neutral and non-polar, at codon 463 of the PAX1 protein (p.Ala463Gly). This variant is present in population databases (rs560571693, gnomAD 0.03%). This variant has not been reported in the literature in individuals affected with PAX1-related conditions. ClinVar contains an entry for this variant (Variation ID: 1435749). Algorithms developed to predict the effect of missense changes on protein structure and function output the following: SIFT: "Not Available"; PolyPhen-2: "Benign"; Align-GVGD: "Not Available". The glycine amino acid residue is found in multiple mammalian species, which suggests that this missense change does not adversely affect protein function. In summary, the available evidence is currently insufficient to determine the role of this variant in disease. Therefore, it has been classified as a Variant of Uncertain Significance.

Ambry Genetics
Classification: Uncertain significance for Inborn genetic diseases. Last evaluated: 2023-05-17. Review status: criteria provided, single submitter. Criteria: Ambry Variant Classification Scheme 2023. Collection method: clinical testing. Allele origin: germline.